The following is an entry in ClinVar:

ClinVar aggregate classification (germline): Likely benign. Review status: criteria provided, multiple submitters, no conflicts (2 of 4 stars). 3 submissions from 3 submitters: Likely benign (3). Last evaluated 2023-10-03.

Allele frequency attached by ClinVar (database versions not stated): gnomAD 0.00001 and 0.00002; gnomAD exomes 0.00001 and 0.00003; ExAC 0.00002; TOPMed 0.00002; 1000 Genomes Project 30x 0.00016; 1000 Genomes Project 0.00020.
gnomAD v4.1: 11 of 1,614,174 alleles (0.00068%); highest among the groups gnomAD compares: East Asian, 0.025%; no homozygotes.

Submissions (3):

Labcorp Genetics (formerly Invitae), Labcorp
Classification: Likely benign. Last evaluated: 2023-10-03. Review status: criteria provided, single submitter. Criteria: Invitae Variant Classification Sherloc (09022015). Collection method: clinical testing. Allele origin: germline.

Blueprint Genetics
Classification: Likely benign. Last evaluated: 2018-06-06. Review status: criteria provided, single submitter. Criteria: ACMG Guidelines, 2015. Collection method: clinical testing. Allele origin: germline.

Laboratory for Molecular Medicine, Mass General Brigham Personalized Medicine
Classification: Likely benign. Last evaluated: 2014-11-24. Review status: criteria provided, single submitter. Criteria: LMM Criteria. Collection method: clinical testing. Allele origin: germline. Observed: 1 variant allele.
Comment: Arg47Arg in exon 3 of CIB2: This variant is not expected to have clinical signif icance because it does not alter an amino acid residue and is not located within the splice consensus sequence. It has been identified in 0.5% (1/194) of Han Ch inese chromosomes from a broad population by the 1000 Genomes Project (w.; dbSNP rs199524336).

NM_006383.4(CIB2):c.141G>A (p.Arg47=)

Gene: CIB2 (calcium and integrin binding family member 2; minus strand). Cytogenetic location: 15q25.1.
Variant type: single nucleotide variant.
Coding change: c.141G>A on transcript NM_006383.4 (MANE Select); coding-DNA position 141, G replaced by A.
Protein change: p.Arg47=; no amino-acid change (arginine 47 retained).
Molecular consequence: synonymous variant. On other transcripts: intron variant (2).
Genome position (GRCh38, 1-based): chr15:78,111,222, C>T on the plus strand (G>A on the coding strand, the complement: CIB2 is on the minus strand). VCF-style: chr15-78111222-C-T. GRCh37 (hg19) VCF-style: chr15-78403564-C-T.
Other names: c.12G>A, p.Arg4= (NM_001271888.2); c.52-1840G>A (NM_001271889.2); c.87-1713G>A (NM_001301224.2).
Identifiers: ClinVar variation 227250 (VCV000227250.13), dbSNP rs199524336, ClinGen allele CA7680327.
Genomic context (GRCh38, chr15:78,111,222, plus strand): 5'-TACCCGGAGCTCTGGCATCTGGATGATGAGGCTCATGGGCACGTGGACGATGGGGCTCTT[C>T]CTGTAGTCCATTGGGACGAGGTTGGGGGCCAGCTCATAGAATCGCGAATGCAGCCTTGGA-3'
Protein context (NP_006374.1, residues 37-57): LAPNLVPMDY[Arg47=]KSPIVHVPMS